The following is an entry in ClinVar:

ClinVar aggregate classification (germline): Pathogenic/Likely pathogenic. Review status: criteria provided, multiple submitters, no conflicts (2 of 4 stars). 2 submissions from 2 submitters: Pathogenic (1); Likely pathogenic (1). Last evaluated 2025-11-06.

Conditions:
Spinocerebellar ataxia type 25. Identifiers: Orphanet 101111, MedGen C1837518, MONDO:0012103, OMIM 608703.

Submissions (2):

Variantyx, Inc.
Classification: Likely pathogenic for Spinocerebellar ataxia type 25. Last evaluated: 2025-11-06. Review status: criteria provided, single submitter. Criteria: Variantyx Assertion Criteria 2022. Collection method: clinical testing. Allele origin: germline. Inheritance: Autosomal dominant inheritance. Affected: yes.
Comment: This is a nonsense variant in the PNPT1 gene (OMIM: 610316). Pathogenic variants in this gene have been associated with autosomal dominant spinocerebellar ataxia 25. This variant introduces a premature termination codon in exon 25 out of 28 and is expected to result in loss of function, which is a known disease mechanism for PNPT1 in this disorder (PMID: 35411967) (PVS1). This variant is absent from control populations (PM2). Based on the current evidence, this variant is classified as likely pathogenic for autosomal dominant spinocerebellar ataxia 25.

Labcorp Genetics (formerly Invitae), Labcorp
Classification: Pathogenic. Last evaluated: 2024-07-30. Review status: criteria provided, single submitter. Criteria: Invitae Variant Classification Sherloc (09022015). Collection method: clinical testing. Allele origin: germline.
Comment: This sequence change creates a premature translational stop signal (p.Gln672*) in the PNPT1 gene. It is expected to result in an absent or disrupted protein product. Loss-of-function variants in PNPT1 are known to be pathogenic (PMID: 28594066, 30244537). This variant is not present in population databases (gnomAD no frequency). This variant has not been reported in the literature in individuals affected with PNPT1-related conditions. ClinVar contains an entry for this variant (Variation ID: 2113226). Algorithms developed to predict the effect of sequence changes on RNA splicing suggest that this variant may disrupt the consensus splice site. For these reasons, this variant has been classified as Pathogenic.

Literature cited by the submitters: PubMed 35411967 (cited by Variantyx, Inc.); PubMed 28594066 (cited by Labcorp Genetics (formerly Invitae), Labcorp); PubMed 30244537 (cited by Labcorp Genetics (formerly Invitae), Labcorp).

NM_033109.5(PNPT1):c.2014C>T (p.Gln672Ter)

Gene: PNPT1 (polyribonucleotide nucleotidyltransferase 1; minus strand). Cytogenetic location: 2p16.1.
Variant type: single nucleotide variant.
Coding change: c.2014C>T on transcript NM_033109.5 (MANE Select); coding-DNA position 2014, C replaced by T.
Protein change: p.Gln672Ter; replaces glutamine 672 with a stop codon.
Molecular consequence: nonsense.
Genome position (GRCh38, 1-based): chr2:55,643,213, G>A on the plus strand (C>T on the coding strand, the complement: PNPT1 is on the minus strand). VCF-style: chr2-55643213-G-A. GRCh37 (hg19) VCF-style: chr2-55870348-G-A.
Other names: short protein forms Q672*.
Identifiers: ClinVar variation 2113226 (VCV002113226.5), dbSNP rs2529476843, ClinGen allele CA346923847.
Genomic context (GRCh38, chr2:55,643,213, plus strand): 5'-ATTACCTGATTTCAGTTATTGTGGCGGTATATACTGCTCCAAATTCTAATTGCTGCTCCT[G>A]CTGTAAGTGCAAAATAAGCCATAAGATTCATAAAGAAAACATCAACAAAAAGTAGAAAAA-3'